The following is an entry in ClinVar:

ClinVar aggregate classification (germline): Uncertain significance (1 of 4 stars; one submission).

Conditions:
Inborn genetic diseases. Identifiers: MedGen C0950123, MeSH D030342.

Submission:

Ambry Genetics
Classification: Uncertain significance for Inborn genetic diseases. Last evaluated: 2023-04-18. Review status: criteria provided, single submitter. Criteria: Ambry Variant Classification Scheme 2023. Collection method: clinical testing. Allele origin: germline.
Comment: The p.P1872L variant (also known as c.5615C>T), located in coding exon 33 of the ATR gene, results from a C to T substitution at nucleotide position 5615. The proline at codon 1872 is replaced by leucine, an amino acid with similar properties. This amino acid position is conserved. In addition, this alteration is predicted to be tolerated by in silico analysis. Since supporting evidence is limited at this time, the clinical significance of this alteration remains unclear.

NM_001184.4(ATR):c.5615C>T (p.Pro1872Leu)

Gene: ATR (ATR checkpoint kinase; minus strand). Cytogenetic location: 3q23.
Variant type: single nucleotide variant.
Coding change: c.5615C>T on transcript NM_001184.4 (MANE Select); coding-DNA position 5615, C replaced by T.
Protein change: p.Pro1872Leu; replaces proline 1872 with leucine.
Molecular consequence: missense variant.
Genome position (GRCh38, 1-based): chr3:142,497,136, G>A on the plus strand (C>T on the coding strand, the complement: ATR is on the minus strand). VCF-style: chr3-142497136-G-A. GRCh37 (hg19) VCF-style: chr3-142215978-G-A.
Other names: c.5423C>T, p.Pro1808Leu (NM_001354579.2); short protein forms P1872L, P1808L.
Identifiers: ClinVar variation 2567813 (VCV002567813.2), dbSNP rs2473158810, ClinGen allele CA354814867.